The following is an entry in ClinVar:

NM_001286.5(CLCN6):c.2260C>T (p.Leu754Phe)

Gene: CLCN6 (chloride voltage-gated channel 6; plus strand). Cytogenetic location: 1p36.22.
Variant type: single nucleotide variant.
Coding change: c.2260C>T on transcript NM_001286.5 (MANE Select); coding-DNA position 2260, C replaced by T.
Protein change: p.Leu754Phe; replaces leucine 754 with phenylalanine.
Molecular consequence: missense variant. On other transcripts: non-coding transcript variant (1).
Genome position (GRCh38, 1-based): chr1:11,837,464, C>T. VCF-style: chr1-11837464-C-T. GRCh37 (hg19) VCF-style: chr1-11897521-C-T.
Other names: c.2194C>T, p.Leu732Phe (NM_001256959.2); short protein forms L732F, L754F.
Identifiers: ClinVar variation 2134693 (VCV002134693.4), dbSNP rs2523172672, ClinGen allele CA338442204.

ClinVar aggregate classification (germline): Uncertain significance (1 of 4 stars; one submission).

Allele frequency attached by ClinVar (database versions not stated): gnomAD exomes below 0.00001.
gnomAD v4.1: 2 of 1,614,104 alleles (0.00012%); highest among the groups gnomAD compares: Non-Finnish European, 0.00017%; no homozygotes.

Submission:

Labcorp Genetics (formerly Invitae), Labcorp
Classification: Uncertain significance. Last evaluated: 2022-05-06. Review status: criteria provided, single submitter. Criteria: Invitae Variant Classification Sherloc (09022015). Collection method: clinical testing. Allele origin: germline.
Comment: This variant is not present in population databases (gnomAD no frequency). This sequence change replaces leucine, which is neutral and non-polar, with phenylalanine, which is neutral and non-polar, at codon 754 of the CLCN6 protein (p.Leu754Phe). This variant has not been reported in the literature in individuals affected with CLCN6-related conditions. Algorithms developed to predict the effect of missense changes on protein structure and function are either unavailable or do not agree on the potential impact of this missense change (SIFT: "Deleterious"; PolyPhen-2: "Possibly Damaging"; Align-GVGD: "Class C0"). In summary, the available evidence is currently insufficient to determine the role of this variant in disease. Therefore, it has been classified as a Variant of Uncertain Significance.